The following is an entry in ClinVar:

NM_003322.6(TULP1):c.1031G>A (p.Arg344Gln)

Gene: TULP1 (TUB like protein 1; minus strand). Cytogenetic location: 6p21.31.
Variant type: single nucleotide variant.
Coding change: c.1031G>A on transcript NM_003322.6 (MANE Select); coding-DNA position 1031, G replaced by A.
Protein change: p.Arg344Gln; replaces arginine 344 with glutamine.
Molecular consequence: missense variant.
Genome position (GRCh38, 1-based): chr6:35,505,822, C>T on the plus strand (G>A on the coding strand, the complement: TULP1 is on the minus strand). VCF-style: chr6-35505822-C-T. GRCh37 (hg19) VCF-style: chr6-35473599-C-T.
Other names: c.872G>A, p.Arg291Gln (NM_001289395.2); c.1031G>A (NM_003322.3); short protein forms R291Q, R344Q.
Identifiers: ClinVar variation 1393768 (VCV001393768.6), dbSNP rs751248635, ClinGen allele CA3772703.
Genomic context (GRCh38, chr6:35,505,822, plus strand): 5'-TCCCCTCCTCGGGACAGATTGGTAGGGTCGATGGAGATGAGGTAATTGGCTGTCTTGCTC[C>T]GTTTTCGTTTCCTGCCAGCCAAGAGGAACACCTGGGGAAAAGGGGAGACAGGTGAGAGGA-3'
Protein context (NP_003313.3, residues 334-354): VFLLAGRKRK[Arg344Gln]SKTANYLISI

ClinVar aggregate classification (germline): Uncertain significance. Review status: criteria provided, multiple submitters, no conflicts (2 of 4 stars). 3 submissions from 3 submitters: Uncertain significance (3). Last evaluated 2023-08-22.

Conditions:
Inborn genetic diseases. Identifiers: MedGen C0950123, MeSH D030342.

Allele frequency attached by ClinVar (database versions not stated): ExAC 0.00001; gnomAD exomes 0.00002.

Submissions (3):

Labcorp Genetics (formerly Invitae), Labcorp
Classification: Uncertain significance. Last evaluated: 2023-08-22. Review status: criteria provided, single submitter. Criteria: Invitae Variant Classification Sherloc (09022015). Collection method: clinical testing. Allele origin: germline.
Comment: This sequence change replaces arginine, which is basic and polar, with glutamine, which is neutral and polar, at codon 344 of the TULP1 protein (p.Arg344Gln). This variant is present in population databases (rs751248635, gnomAD 0.004%). This variant has not been reported in the literature in individuals affected with TULP1-related conditions. ClinVar contains an entry for this variant (Variation ID: 1393768). Advanced modeling of protein sequence and biophysical properties (such as structural, functional, and spatial information, amino acid conservation, physicochemical variation, residue mobility, and thermodynamic stability) has been performed at Invitae for this missense variant, however the output from this modeling did not meet the statistical confidence thresholds required to predict the impact of this variant on TULP1 protein function. In summary, the available evidence is currently insufficient to determine the role of this variant in disease. Therefore, it has been classified as a Variant of Uncertain Significance.

Blueprint Genetics
Classification: Uncertain significance. Last evaluated: 2022-09-05. Review status: criteria provided, single submitter. Criteria: ACMG Guidelines, 2015. Collection method: clinical testing. Allele origin: germline.

Ambry Genetics
Classification: Uncertain significance for Inborn genetic diseases. Last evaluated: 2022-06-14. Review status: criteria provided, single submitter. Criteria: Ambry Variant Classification Scheme 2023. Collection method: clinical testing. Allele origin: germline.